The following is an entry in ClinVar:

ClinVar aggregate classification (germline): Uncertain significance (1 of 4 stars; one submission).

Conditions:
DICER1-related tumor predisposition. Also called: DICER1-related pleuropulmonary blastoma cancer predisposition syndrome; DICER1 syndrome. Identifiers: Orphanet 284343, MedGen C3839822, MONDO:0100216.

Submission:

Labcorp Genetics (formerly Invitae), Labcorp
Classification: Uncertain significance for DICER1-related tumor predisposition. Last evaluated: 2023-08-20. Review status: criteria provided, single submitter. Criteria: Invitae Variant Classification Sherloc (09022015). Collection method: clinical testing. Allele origin: germline.
Comment: In summary, the available evidence is currently insufficient to determine the role of this variant in disease. Therefore, it has been classified as a Variant of Uncertain Significance. Variants that disrupt the consensus splice site are a relatively common cause of aberrant splicing (PMID: 17576681, 9536098). Algorithms developed to predict the effect of sequence changes on RNA splicing suggest that this variant is not likely to affect RNA splicing. ClinVar contains an entry for this variant (Variation ID: 945297). This variant has not been reported in the literature in individuals affected with DICER1-related conditions. This variant is not present in population databases (gnomAD no frequency). This sequence change falls in intron 26 of the DICER1 gene. It does not directly change the encoded amino acid sequence of the DICER1 protein. It affects a nucleotide within the consensus splice site.

Literature cited by the submitters: PubMed 17576681; PubMed 9536098.

NM_177438.3(DICER1):c.5603+3A>G

Gene: DICER1 (dicer 1, ribonuclease III; minus strand). Cytogenetic location: 14q32.13.
Variant type: single nucleotide variant.
Coding change: c.5603+3A>G on transcript NM_177438.3 (MANE Select); 3 bases into the intron after coding-DNA position 5603, A replaced by G.
Molecular consequence: intron variant.
Genome position (GRCh38, 1-based): chr14:95,091,031, T>C on the plus strand (A>G on the coding strand, the complement: DICER1 is on the minus strand). VCF-style: chr14-95091031-T-C. GRCh37 (hg19) VCF-style: chr14-95557368-T-C.
Other names: c.5603+3A>G (NM_001291628.2, NM_030621.4, NM_001271282.3); c.5440+3A>G (NM_001195573.1).
Identifiers: ClinVar variation 945297 (VCV000945297.9), dbSNP rs1889758640, ClinGen allele CA1139663682.
Genomic context (GRCh38, chr14:95,091,031, plus strand): 5'-TGTGAACTTTTCCCCTTTGATGTTTTTAAGTTAATGTTTTTTCCATGTACATTTTTTGCT[T>C]ACCTAAATTTGGCAGTTTCTGGTTCCATTTCAAGCAATTCTCGCACAGGGGAACGGGGTA-3'